The following is an entry in ClinVar:

ClinVar aggregate classification (germline): Uncertain significance (1 of 4 stars; one submission).

Allele frequency attached by ClinVar (database versions not stated): gnomAD exomes below 0.00001.

Submission:

Labcorp Genetics (formerly Invitae), Labcorp
Classification: Uncertain significance. Last evaluated: 2024-04-23. Review status: criteria provided, single submitter. Criteria: Invitae Variant Classification Sherloc (09022015). Collection method: clinical testing. Allele origin: germline.
Comment: This sequence change replaces arginine, which is basic and polar, with histidine, which is basic and polar, at codon 430 of the MTOR protein (p.Arg430His). This variant is not present in population databases (gnomAD no frequency). This variant has not been reported in the literature in individuals affected with MTOR-related conditions. ClinVar contains an entry for this variant (Variation ID: 861152). Advanced modeling of protein sequence and biophysical properties (such as structural, functional, and spatial information, amino acid conservation, physicochemical variation, residue mobility, and thermodynamic stability) performed at Invitae indicates that this missense variant is not expected to disrupt MTOR protein function with a negative predictive value of 95%. In summary, the available evidence is currently insufficient to determine the role of this variant in disease. Therefore, it has been classified as a Variant of Uncertain Significance.

NM_004958.4(MTOR):c.1289G>A (p.Arg430His)

Gene: MTOR (mechanistic target of rapamycin kinase; minus strand). Cytogenetic location: 1p36.22.
Variant type: single nucleotide variant.
Coding change: c.1289G>A on transcript NM_004958.4 (MANE Select); coding-DNA position 1289, G replaced by A.
Protein change: p.Arg430His; replaces arginine 430 with histidine.
Molecular consequence: missense variant.
Genome position (GRCh38, 1-based): chr1:11,243,237, C>T on the plus strand (G>A on the coding strand, the complement: MTOR is on the minus strand). VCF-style: chr1-11243237-C-T. GRCh37 (hg19) VCF-style: chr1-11303294-C-T.
Other names: short protein forms R430H.
Identifiers: ClinVar variation 861152 (VCV000861152.7), dbSNP rs1648331522, ClinGen allele CA338396599.